The following is an entry in ClinVar:

NM_001330078.2(NRXN1):c.1048G>C (p.Ala350Pro)

Gene: NRXN1 (neurexin 1; minus strand). Cytogenetic location: 2p16.3.
Variant type: single nucleotide variant.
Coding change: c.1048G>C on transcript NM_001330078.2 (MANE Select); coding-DNA position 1048, G replaced by C.
Protein change: p.Ala350Pro; replaces alanine 350 with proline.
Molecular consequence: missense variant.
Genome position (GRCh38, 1-based): chr2:50,623,400, C>G on the plus strand (G>C on the coding strand, the complement: NRXN1 is on the minus strand). VCF-style: chr2-50623400-C-G. GRCh37 (hg19) VCF-style: chr2-50850538-C-G.
Other names: c.1147G>C, p.Ala383Pro (NM_001135659.3); c.1048G>C, p.Ala350Pro (NM_001330077.2, NM_001330082.2, NM_001330085.2 and 3 more transcripts); c.988G>C, p.Ala330Pro (NM_001330083.2, NM_001330084.2, NM_001330087.2 and 1 more transcripts); c.1018G>C, p.Ala340Pro (NM_001330088.2); c.1045G>C, p.Ala349Pro (NM_001330093.2); c.1036G>C, p.Ala346Pro (NM_001330094.2); short protein forms A340P, A346P, A330P, A349P, A383P, A350P.
Identifiers: ClinVar variation 837817 (VCV000837817.9), dbSNP rs1680408946, ClinGen allele CA346822251.

ClinVar aggregate classification (germline): Uncertain significance (1 of 4 stars; one submission).

Conditions:
Pitt-Hopkins-like syndrome 2 (PTHSL2). Identifiers: Orphanet 221150, Orphanet 600663, MedGen C3280479, MONDO:0013690, OMIM 614325.

Submission:

Labcorp Genetics (formerly Invitae), Labcorp
Classification: Uncertain significance for Pitt-Hopkins-like syndrome 2. Last evaluated: 2019-01-26. Review status: criteria provided, single submitter. Criteria: Invitae Variant Classification Sherloc (09022015). Collection method: clinical testing. Allele origin: germline.
Comment: This sequence change replaces alanine with proline at codon 383 of the NRXN1 protein (p.Ala383Pro). The alanine residue is highly conserved and there is a small physicochemical difference between alanine and proline. This variant is not present in population databases (ExAC no frequency). This variant has not been reported in the literature in individuals with NRXN1-related conditions. Algorithms developed to predict the effect of missense changes on protein structure and function are either unavailable or do not agree on the potential impact of this missense change (SIFT: "Tolerated"; PolyPhen-2: "Probably Damaging"; Align-GVGD: "Class C0"). In summary, the available evidence is currently insufficient to determine the role of this variant in disease. Therefore, it has been classified as a Variant of Uncertain Significance.